The following is an entry in ClinVar:

ClinVar aggregate classification (germline): Uncertain significance (1 of 4 stars; one submission).

Conditions:
Inborn genetic diseases. Identifiers: MedGen C0950123, MeSH D030342.

gnomAD v4.1: 1 of 1,614,146 alleles (0.000062%); no homozygotes.

Submission:

Ambry Genetics
Classification: Uncertain significance for Inborn genetic diseases. Last evaluated: 2025-11-15. Review status: criteria provided, single submitter. Criteria: Ambry Variant Classification Scheme 2023. Collection method: clinical testing. Allele origin: germline.
Comment: The p.H172Y variant (also known as c.514C>T), located in coding exon 1 of the SAMD9L gene, results from a C to T substitution at nucleotide position 514. The histidine at codon 172 is replaced by tyrosine, an amino acid with similar properties. This amino acid position is conserved. In addition, this alteration is predicted to be tolerated by in silico analysis. Based on the available evidence, the clinical significance of this variant remains unclear.

NM_152703.5(SAMD9L):c.514C>T (p.His172Tyr)

Gene: SAMD9L (sterile alpha motif domain containing 9 like; minus strand). Cytogenetic location: 7q21.2.
Variant type: single nucleotide variant.
Coding change: c.514C>T on transcript NM_152703.5 (MANE Select); coding-DNA position 514, C replaced by T.
Protein change: p.His172Tyr; replaces histidine 172 with tyrosine.
Molecular consequence: missense variant.
Genome position (GRCh38, 1-based): chr7:93,135,458, G>A on the plus strand (C>T on the coding strand, the complement: SAMD9L is on the minus strand). VCF-style: chr7-93135458-G-A. GRCh37 (hg19) VCF-style: chr7-92764771-G-A.
Other names: c.514C>T, p.His172Tyr (NM_001303496.3, NM_001303497.3, NM_001303498.3 and 5 more transcripts); short protein forms H172Y.
Identifiers: ClinVar variation 4630123 (VCV004630123.1).